The following is an entry in ClinVar:

ClinVar aggregate classification (germline): Likely benign (1 of 4 stars; one submission).

Conditions:
FHOD3-related disorder. Also called: FHOD3-related condition.

gnomAD v4.1: 57 of 1,439,872 alleles (0.004%); highest among the groups gnomAD compares: African/African-American, 0.052%; no homozygotes.

Submission:

PreventionGenetics, part of Exact Sciences
Classification: Likely benign for FHOD3-related condition. Last evaluated: 2026-03-11. Review status: criteria provided, single submitter. Criteria: ACMG Guidelines, 2015. Collection method: clinical testing. Allele origin: germline.
Comment: This variant is classified as likely benign based on ACMG/AMP sequence variant interpretation guidelines (Richards et al. 2015 PMID: 25741868, with internal and published modifications).

NM_001281740.3(FHOD3):c.972C>T (p.His324=)

Gene: FHOD3 (formin homology 2 domain containing 3; plus strand). Cytogenetic location: 18q12.2.
Variant type: single nucleotide variant.
Coding change: c.972C>T on transcript NM_001281740.3 (MANE Select); coding-DNA position 972, C replaced by T.
Protein change: p.His324=; no amino-acid change (histidine 324 retained).
Molecular consequence: synonymous variant.
Genome position (GRCh38, 1-based): chr18:36,625,525, C>T. VCF-style: chr18-36625525-C-T. GRCh37 (hg19) VCF-style: chr18-34205488-C-T.
Other names: c.972C>T, p.His324= (NM_001281739.3, NM_025135.5).
Identifiers: ClinVar variation 4985368 (VCV004985368.1).
Genomic context (GRCh38, chr18:36,625,525, plus strand): 5'-AGGATGCCAAGCCTGACCTTGCACTGGGCGTGCTCTGCTTTTCCAGGTGGCGCTCAGGCA[C>T]GAGGATGGCGATGAGACCACGGAGCCACCCCCCAGTGGGTGCCGGGACCGGAGGAGGGCC-3'
Protein context (NP_001268669.1, residues 314-334): QLNIYEVALR[His324=]EDGDETTEPP